The following is an entry in ClinVar:

NM_000069.3(CACNA1S):c.4962C>A (p.Asn1654Lys)

Gene: CACNA1S (calcium voltage-gated channel subunit alpha1 S; minus strand). Cytogenetic location: 1q32.1.
Variant type: single nucleotide variant.
Coding change: c.4962C>A on transcript NM_000069.3 (MANE Select); coding-DNA position 4962, C replaced by A.
Protein change: p.Asn1654Lys; replaces asparagine 1654 with lysine.
Molecular consequence: missense variant.
Genome position (GRCh38, 1-based): chr1:201,043,367, G>T on the plus strand (C>A on the coding strand, the complement: CACNA1S is on the minus strand). VCF-style: chr1-201043367-G-T. GRCh37 (hg19) VCF-style: chr1-201012495-G-T.
Other names: short protein forms N1654K.
Identifiers: ClinVar variation 3751864 (VCV003751864.2).
Genomic context (GRCh38, chr1:201,043,367, plus strand): 5'-GTTGCTGTTGCCATAGGCGACATTGGCGTTGGCATTGTTGGTATTGGCACGAGCCAGGGG[G>T]TTGGTGCGTGGATCTTGTGGGAAGTCCTCCAAGAAGACAGGTGACTCCATCTCTTCCATC-3'
Protein context (NP_000060.2, residues 1644-1664): LEDFPQDPRT[Asn1654Lys]PLARANTNNA

ClinVar aggregate classification (germline): Uncertain significance (1 of 4 stars; one submission).

Conditions:
Hypokalemic periodic paralysis, type 1. Also called: HypoPP; Hypokalemic Periodic Paralysis Type 1 (AD). Identifiers: Orphanet 681, MedGen C3714580, MONDO:0042979, OMIM 170400.
Malignant hyperthermia, susceptibility to, 5 (MHS5). Also called: CACNA1S-Related Malignant Hyperthermia Susceptibility. Identifiers: Orphanet 423, MedGen C1866077, MONDO:0011163, OMIM 601887.

gnomAD v4.1: 2 of 1,614,108 alleles (0.00012%); highest among the groups gnomAD compares: African/African-American, 0.0027%; no homozygotes.

Submission:

Labcorp Genetics (formerly Invitae), Labcorp
Classification: Uncertain significance for Hypokalemic periodic paralysis, type 1; Malignant hyperthermia, susceptibility to, 5. Last evaluated: 2024-05-02. Review status: criteria provided, single submitter. Criteria: Invitae Variant Classification Sherloc (09022015). Collection method: clinical testing. Allele origin: germline.
Comment: This sequence change replaces asparagine, which is neutral and polar, with lysine, which is basic and polar, at codon 1654 of the CACNA1S protein (p.Asn1654Lys). This variant is present in population databases (no rsID available, gnomAD 0.01%). This variant has not been reported in the literature in individuals affected with CACNA1S-related conditions. Advanced modeling of protein sequence and biophysical properties (such as structural, functional, and spatial information, amino acid conservation, physicochemical variation, residue mobility, and thermodynamic stability) performed at Invitae indicates that this missense variant is not expected to disrupt CACNA1S protein function with a negative predictive value of 80%. In summary, the available evidence is currently insufficient to determine the role of this variant in disease. Therefore, it has been classified as a Variant of Uncertain Significance.